The following is an entry in ClinVar:

NM_014810.5(CEP350):c.1998A>G (p.Leu666=)

Gene: CEP350 (centrosomal protein 350; plus strand). Cytogenetic location: 1q25.2.
Variant type: single nucleotide variant.
Coding change: c.1998A>G on transcript NM_014810.5 (MANE Select); coding-DNA position 1998, A replaced by G.
Protein change: p.Leu666=; no amino-acid change (leucine 666 retained).
Molecular consequence: synonymous variant.
Genome position (GRCh38, 1-based): chr1:180,014,451, A>G. VCF-style: chr1-180014451-A-G. GRCh37 (hg19) VCF-style: chr1-179983586-A-G.
Identifiers: ClinVar variation 2639594 (VCV002639594.24), dbSNP rs371538840, ClinGen allele CA1269591.

ClinVar aggregate classification (germline): Likely benign (1 of 4 stars; one submission).

Allele frequency attached by ClinVar (database versions not stated): ExAC 0.00002; TOPMed 0.00002; gnomAD 0.00003; gnomAD exomes 0.00004; ESP Exome Variant Server 0.00008.
gnomAD v4.1: 61 of 1,609,994 alleles (0.0038%); highest among the groups gnomAD compares: Non-Finnish European, 0.0051%; no homozygotes.

Submission:

CeGaT Center for Human Genetics Tuebingen
Classification: Likely benign. Last evaluated: 2022-07-01. Review status: criteria provided, single submitter. Criteria: CeGaT Center For Human Genetics Tuebingen Variant Classification Criteria Version 2. Collection method: clinical testing. Allele origin: germline. Affected: yes. Observed: 1 variant allele.
Comment: CEP350: BP4, BP7